The following is an entry in ClinVar:

NM_001165963.4(SCN1A):c.3065G>C (p.Gly1022Ala)

Gene: SCN1A (sodium voltage-gated channel alpha subunit 1; minus strand). Cytogenetic location: 2q24.3.
Variant type: single nucleotide variant.
Coding change: c.3065G>C on transcript NM_001165963.4 (MANE Select); coding-DNA position 3065, G replaced by C.
Protein change: p.Gly1022Ala; replaces glycine 1022 with alanine.
Molecular consequence: missense variant. On other transcripts: non-coding transcript variant (1).
Genome position (GRCh38, 1-based): chr2:166,036,412, C>G on the plus strand (G>C on the coding strand, the complement: SCN1A is on the minus strand). VCF-style: chr2-166036412-C-G. GRCh37 (hg19) VCF-style: chr2-166892922-C-G.
Other names: c.2981G>C, p.Gly994Ala (NM_001165964.3, NM_001353957.2, NM_001353958.2); c.3065G>C, p.Gly1022Ala (NM_001202435.3, NM_001353948.2); c.3032G>C, p.Gly1011Ala (NM_001353949.2, NM_001353950.2, NM_001353951.2 and 2 more transcripts); c.3029G>C, p.Gly1010Ala (NM_001353954.2, NM_001353955.2); c.2978G>C, p.Gly993Ala (NM_001353960.2); c.623G>C, p.Gly208Ala (NM_001353961.2); short protein forms G1010A, G1011A, G1022A, G208A, G993A, G994A.
Identifiers: ClinVar variation 4690207 (VCV004690207.1).

ClinVar aggregate classification (germline): Uncertain significance (1 of 4 stars; one submission).

Submission:

GeneDx
Classification: Uncertain significance. Last evaluated: 2025-08-02. Review status: criteria provided, single submitter. Criteria: GeneDx Variant Classification Process June 2021. Collection method: clinical testing. Allele origin: germline. Affected: yes.
Comment: Not observed at significant frequency in large population cohorts (gnomAD); In silico analysis supports that this missense variant has a deleterious effect on protein structure/function; Has not been previously published as pathogenic or benign to our knowledge; This substitution is predicted to be within the cytoplasmic loop between the second and third homologous domains